The following is an entry in ClinVar:

ClinVar aggregate classification (germline): Uncertain significance. Review status: criteria provided, multiple submitters, no conflicts (2 of 4 stars). 2 submissions from 2 submitters: Uncertain significance (2). Last evaluated 2025-05-24.

Conditions:
Inborn genetic diseases. Identifiers: MedGen C0950123, MeSH D030342.

Submissions (2):

Ambry Genetics
Classification: Uncertain significance for Inborn genetic diseases. Last evaluated: 2025-05-24. Review status: criteria provided, single submitter. Criteria: Ambry Variant Classification Scheme 2023. Collection method: clinical testing. Allele origin: germline.
Comment: The p.R894I variant (also known as c.2681G>T), located in coding exon 28 of the FANCA gene, results from a G to T substitution at nucleotide position 2681. The arginine at codon 894 is replaced by isoleucine, an amino acid with similar properties. This amino acid position is conserved. In addition, this alteration is predicted to be tolerated by in silico analysis. Based on the available evidence, the clinical significance of this variant remains unclear.

Quest Diagnostics Nichols Institute San Juan Capistrano
Classification: Uncertain significance. Last evaluated: 2024-03-01. Review status: criteria provided, single submitter. Criteria: Quest Diagnostics criteria. Collection method: clinical testing. Allele origin: unknown.
Comment: The FANCA c.2681G>T (p.Arg894Ile) variant has not been reported in individuals with FANCA-related conditions in the published literature. The frequency of this variant in the general population, 0.000087 (3/34592 chromosomes (Genome Aggregation Database)), is uninformative in the assessment of its pathogenicity. Analysis of this variant using bioinformatics tools for the prediction of the effect of amino acid changes on protein structure and function yielded predictions that this variant is benign. Based on the available information, we are unable to determine the clinical significance of this variant.

NM_000135.4(FANCA):c.2681G>T (p.Arg894Ile)

Genes: FANCA (FA complementation group A; minus strand), LOC130059837 (ATAC-STARR-seq lymphoblastoid active region 11420; plus strand). Cytogenetic location: 16q24.3.
Variant type: single nucleotide variant.
Coding change: c.2681G>T on transcript NM_000135.4 (MANE Select); coding-DNA position 2681, G replaced by T.
Protein change: p.Arg894Ile; replaces arginine 894 with isoleucine.
Molecular consequence: missense variant.
Genome position (GRCh38, 1-based): chr16:89,764,987, C>A on the plus strand (G>T on the coding strand, the complement: FANCA is on the minus strand). VCF-style: chr16-89764987-C-A. GRCh37 (hg19) VCF-style: chr16-89831395-C-A.
Other names: c.2681G>T, p.Arg894Ile (NM_001286167.3); short protein forms R894I.
Identifiers: ClinVar variation 3572391 (VCV003572391.2).